The following is an entry in ClinVar:

ClinVar aggregate classification (germline): Uncertain significance (1 of 4 stars; one submission).

Conditions:
Spastic paraplegia. Identifiers: MedGen C0037772, HP:0001258.

Submission:

Labcorp Genetics (formerly Invitae), Labcorp
Classification: Uncertain significance for Spastic paraplegia. Last evaluated: 2025-12-26. Review status: criteria provided, single submitter. Criteria: Invitae Variant Classification Sherloc (09022015). Collection method: clinical testing. Allele origin: germline.
Comment: This sequence change replaces proline, which is neutral and non-polar, with arginine, which is basic and polar, at codon 36 of the B4GALNT1 protein (p.Pro36Arg). This variant is not present in population databases (gnomAD no frequency). This variant has not been reported in the literature in individuals affected with B4GALNT1-related conditions. An algorithm developed to predict the effect of missense changes on protein structure and function (PolyPhen-2) suggests that this variant is likely to be tolerated. In summary, the available evidence is currently insufficient to determine the role of this variant in disease. Therefore, it has been classified as a Variant of Uncertain Significance.

NM_001478.5(B4GALNT1):c.107C>G (p.Pro36Arg)

Gene: B4GALNT1 (beta-1,4-N-acetyl-galactosaminyltransferase 1; minus strand). Cytogenetic location: 12q13.3.
Variant type: single nucleotide variant.
Coding change: c.107C>G on transcript NM_001478.5 (MANE Select); coding-DNA position 107, C replaced by G.
Protein change: p.Pro36Arg; replaces proline 36 with arginine.
Molecular consequence: missense variant. On other transcripts: 5 prime UTR variant (4).
Genome position (GRCh38, 1-based): chr12:57,632,026, G>C on the plus strand (C>G on the coding strand, the complement: B4GALNT1 is on the minus strand). VCF-style: chr12-57632026-G-C. GRCh37 (hg19) VCF-style: chr12-58025809-G-C.
Other names: c.107C>G, p.Pro36Arg (NM_001276468.2, NM_001276469.2, NM_001413967.1 and 11 more transcripts); c.-797C>G (NM_001413981.1, NM_001413982.1, NM_001413983.1 and 1 more transcripts); short protein forms P36R.
Identifiers: ClinVar variation 4798325 (VCV004798325.1).